The following is an entry in ClinVar:

ClinVar aggregate classification (germline): Uncertain significance (1 of 4 stars; one submission).

gnomAD v4.1: 1 of 1,552,002 alleles (0.000064%); highest among the groups gnomAD compares: Non-Finnish European, 0.000087%; no homozygotes.

Submission:

GeneDx
Classification: Uncertain significance. Last evaluated: 2026-07-29. Review status: criteria provided, single submitter. Criteria: GeneDx Variant Classification Process June 2021. Collection method: clinical testing. Allele origin: germline.
Comment: Has not been previously published as pathogenic or benign to our knowledge; Not observed at significant frequency in large population cohorts (gnomAD); In silico analysis suggests that this missense variant does not alter protein structure/function

NM_001012426.2(FOXP4):c.815T>A (p.Leu272His)

Gene: FOXP4 (forkhead box P4; plus strand). Cytogenetic location: 6p21.1.
Variant type: single nucleotide variant.
Coding change: c.815T>A on transcript NM_001012426.2 (MANE Select); coding-DNA position 815, T replaced by A.
Protein change: p.Leu272His; replaces leucine 272 with histidine.
Molecular consequence: missense variant.
Genome position (GRCh38, 1-based): chr6:41,587,455, T>A. VCF-style: chr6-41587455-T-A. GRCh37 (hg19) VCF-style: chr6-41555193-T-A.
Other names: c.809T>A, p.Leu270His (NM_001012427.2); c.815T>A, p.Leu272His (NM_001405824.1); c.719T>A, p.Leu240His (NM_001405825.1, NM_001405826.1); c.812T>A, p.Leu271His (NM_138457.3); short protein forms L240H, L270H, L271H, L272H.
Identifiers: ClinVar variation 2662359 (VCV002662359.2), dbSNP rs753448087, ClinGen allele CA364067844.